The following is an entry in ClinVar:

NM_015570.4(AUTS2):c.2720A>G (p.Asp907Gly)

Gene: AUTS2 (activator of transcription and developmental regulator AUTS2; plus strand). Cytogenetic location: 7q11.22.
Variant type: single nucleotide variant.
Coding change: c.2720A>G on transcript NM_015570.4 (MANE Select); coding-DNA position 2720, A replaced by G.
Protein change: p.Asp907Gly; replaces aspartic acid 907 with glycine.
Molecular consequence: missense variant.
Genome position (GRCh38, 1-based): chr7:70,789,936, A>G. VCF-style: chr7-70789936-A-G. GRCh37 (hg19) VCF-style: chr7-70254922-A-G.
Other names: c.2648A>G, p.Asp883Gly (NM_001127231.3); c.2720A>G (NM_015570.2); short protein forms D883G, D907G.
Identifiers: ClinVar variation 3695618 (VCV003695618.3).

ClinVar aggregate classification (germline): Uncertain significance. Review status: criteria provided, multiple submitters, no conflicts (2 of 4 stars). 2 submissions from 2 submitters: Uncertain significance (2). Last evaluated 2025-11-12.

Conditions:
Inborn genetic diseases. Identifiers: MedGen C0950123, MeSH D030342.

gnomAD v4.1: 1 of 1,613,970 alleles (0.000062%); highest among the groups gnomAD compares: Admixed American, 0.0017%; no homozygotes.

Submissions (2):

Ambry Genetics
Classification: Uncertain significance for Inborn genetic diseases. Last evaluated: 2025-11-12. Review status: criteria provided, single submitter. Criteria: Ambry Variant Classification Scheme 2023. Collection method: clinical testing. Allele origin: germline.
Comment: The c.2720A>G (p.D907G) alteration is located in exon 19 (coding exon 19) of the AUTS2 gene. This alteration results from a A to G substitution at nucleotide position 2720, causing the aspartic acid (D) at amino acid position 907 to be replaced by a glycine (G). Based on data from gnomAD, the G allele has an overall frequency of <0.001% (1/249966) total alleles studied. The highest observed frequency was 0.003% (1/34534) of Latino alleles. Based on insufficient or conflicting evidence, the clinical significance of this alteration remains unclear.

Labcorp Genetics (formerly Invitae), Labcorp
Classification: Uncertain significance. Last evaluated: 2024-04-10. Review status: criteria provided, single submitter. Criteria: Invitae Variant Classification Sherloc (09022015). Collection method: clinical testing. Allele origin: germline.
Comment: This sequence change replaces aspartic acid, which is acidic and polar, with glycine, which is neutral and non-polar, at codon 907 of the AUTS2 protein (p.Asp907Gly). This variant is present in population databases (no rsID available, gnomAD 0.003%). This variant has not been reported in the literature in individuals affected with AUTS2-related conditions. Advanced modeling of protein sequence and biophysical properties (such as structural, functional, and spatial information, amino acid conservation, physicochemical variation, residue mobility, and thermodynamic stability) performed at Invitae indicates that this missense variant is not expected to disrupt AUTS2 protein function with a negative predictive value of 80%. In summary, the available evidence is currently insufficient to determine the role of this variant in disease. Therefore, it has been classified as a Variant of Uncertain Significance.